The following is an entry in ClinVar:

NM_032119.4(ADGRV1):c.3328A>G (p.Ile1110Val)

Gene: ADGRV1 (adhesion G protein-coupled receptor V1; plus strand). Cytogenetic location: 5q14.3.
Variant type: single nucleotide variant.
Coding change: c.3328A>G on transcript NM_032119.4 (MANE Select); coding-DNA position 3328, A replaced by G.
Protein change: p.Ile1110Val; replaces isoleucine 1110 with valine.
Molecular consequence: missense variant. On other transcripts: non-coding transcript variant (1).
Genome position (GRCh38, 1-based): chr5:90,651,642, A>G. VCF-style: chr5-90651642-A-G. GRCh37 (hg19) VCF-style: chr5-89947459-A-G.
Other names: short protein forms I1110V.
Identifiers: ClinVar variation 1062281 (VCV001062281.9), dbSNP rs761632226, ClinGen allele CA3339161.

ClinVar aggregate classification (germline): Uncertain significance (1 of 4 stars; one submission).

Allele frequency attached by ClinVar (database versions not stated): gnomAD exomes below 0.00001 and 0.00001; ExAC 0.00001; TOPMed 0.00001.
gnomAD v4.1: 7 of 1,610,144 alleles (0.00043%); highest among the groups gnomAD compares: Non-Finnish European, 0.00059%; no homozygotes.

Submission:

Labcorp Genetics (formerly Invitae), Labcorp
Classification: Uncertain significance. Last evaluated: 2020-10-27. Review status: criteria provided, single submitter. Criteria: Invitae Variant Classification Sherloc (09022015). Collection method: clinical testing. Allele origin: germline.
Comment: Algorithms developed to predict the effect of missense changes on protein structure and function (SIFT, PolyPhen-2, Align-GVGD) all suggest that this variant is likely to be tolerated, but these predictions have not been confirmed by published functional studies and their clinical significance is uncertain. This sequence change replaces isoleucine with valine at codon 1110 of the ADGRV1 protein (p.Ile1110Val). The isoleucine residue is moderately conserved and there is a small physicochemical difference between isoleucine and valine. This variant is present in population databases (rs761632226, ExAC 0.002%). This variant has not been reported in the literature in individuals with ADGRV1-related conditions. In summary, the available evidence is currently insufficient to determine the role of this variant in disease. Therefore, it has been classified as a Variant of Uncertain Significance.